The following continues an entry in ClinVar:

NM_000051.4(ATM):c.7456C>T (p.Arg2486Ter)

ClinVar aggregate classification (germline): Pathogenic/Likely pathogenic. Pathogenic (13); Likely pathogenic (1).

Submissions 11 to 15 of 15:

Women's Health and Genetics/Laboratory Corporation of America, LabCorp
Classification: Pathogenic for Ataxia-telangiectasia syndrome. Last evaluated: 2019-06-13. Review status: criteria provided, single submitter. Criteria: LabCorp Variant Classification Summary - May 2015. Collection method: clinical testing. Allele origin: germline.
Comment: Variant summary: ATM c.7456C>T (p.Arg2486X) results in a premature termination codon, predicted to cause a truncation of the encoded protein or absence of the protein due to nonsense mediated decay, which are commonly known mechanisms for disease. Truncations downstream of this position have been classified as pathogenic by our laboratory. The variant allele was found at a frequency of 1.2e-05 in 251264 control chromosomes. c.7456C>T has been reported in the literature in multiple individuals affected with Ataxia-Telangiectasia (Buzin_2003, Micol_2011, Meneret_2014). Heterozygous mutations in ATM are a risk allele for malignancies, and this mutation has also been reported in the literature in individuals with breast and other cancers (Takai_2016, Susswein_2016, Sun_2017, Ohmoto_2018, and Yang_2019). These data indicate that the variant is very likely to be associated with disease. To our knowledge, no experimental evidence demonstrating an impact on protein function has been reported. Four ClinVar submissions from clinical diagnostic laboratories (evaluation after 2014) cite the variant as likely pathogenic/pathogenic. Based on the evidence outlined above, the variant was classified as pathogenic.

CeGaT Center for Human Genetics Tuebingen
Classification: Likely pathogenic. Last evaluated: 2018-02-28. Review status: criteria provided, single submitter. Criteria: Praxis fuer Humangenetik Tuebingen - Variant Classification Criteria. Collection method: clinical testing. Allele origin: germline. Affected: yes. Observed: 2 variant alleles.

Juno Genomics, Hangzhou Juno Genomics, Inc
Classification: Pathogenic for Familial cancer of breast; Ataxia-telangiectasia syndrome. Review status: criteria provided, single submitter. Criteria: ACMG Guidelines, 2015. Collection method: clinical testing. Allele origin: germline.
Comment: Null variant in a gene where loss of function (LOF) is a known mechanism of disease.;For recessive disorders, detected in trans with a pathogenic variant.;The prevalence of the variant in affected individuals is significantly increased compared to the prevalence in controls.

Neuberg Centre For Genomic Medicine, NCGM
Classification: Pathogenic for Ataxia-telangiectasia syndrome. Review status: criteria provided, single submitter. Criteria: ACMG Guidelines, 2015. Collection method: clinical testing. Allele origin: germline. Inheritance: Autosomal recessive inheritance. Affected: yes.
Comment: The stop gained c.7456C>T (p.Arg2486Ter) variant in ATM gene has been reported previously in homozygous state in patients affected with AtaxiaTelangiectasia (Buzin CH et al.,2003). This variant has been reported to the ClinVar database as Pathogenic/Likely_pathogenic. This variant has been submitted allele frequency 0.001194 % in the gnomAD and novel in 1000 genome database. The nucleotide change c.7456C>T in ATM is predicted as conserved by GERP++ and PhyloP across 100 vertebrates. This variant is predicted to cause loss of normal protein function through protein truncation. Loss of function variants have been previously reported to be disease causing. For these reasons, this variant has been classified as Pathogenic.

Laboratory for Genotyping Development, RIKEN
Classification: Pathogenic for Gastric cancer. Last evaluated: 2021-07-01. Review status: no assertion criteria provided. Collection method: research. Allele origin: germline. Not counted in ClinVar's aggregate classification.

Literature cited by the submitters: PubMed 23807571 (cited by Labcorp Genetics (formerly Invitae), Labcorp); PubMed 25614872 (cited by Labcorp Genetics (formerly Invitae), Labcorp); PubMed 12552559 (cited by 4 submitters); PubMed 26681312 (cited by 4 submitters); PubMed 27732944 (cited by 4 submitters); PubMed 28724667 (cited by 4 submitters); PubMed 29667044 (cited by 3 submitters); PubMed 29906526 (cited by Color Diagnostics, LLC DBA Color Health and Ambry Genetics); PubMed 30607632 (cited by 3 submitters); PubMed 31050087 (cited by Color Diagnostics, LLC DBA Color Health and Ambry Genetics); PubMed 21665257 (cited by 3 submitters); PubMed 25122203 (cited by Ambry Genetics and Women's Health and Genetics/Laboratory Corporation of America, LabCorp); PubMed 29922827 (cited by Ambry Genetics and Women's Health and Genetics/Laboratory Corporation of America, LabCorp); PubMed 25525159 (cited by Women's Health and Genetics/Laboratory Corporation of America, LabCorp); PubMed 36988593 (cited by Laboratory for Genotyping Development, RIKEN).